The following is an entry in ClinVar:

NM_000057.4(BLM):c.99-1G>T

Gene: BLM (BLM RecQ like helicase; plus strand). Cytogenetic location: 15q26.1.
Variant type: single nucleotide variant.
Coding change: c.99-1G>T on transcript NM_000057.4 (MANE Select); the canonical splice acceptor site of the intron before coding-DNA position 99, G replaced by T.
Molecular consequence: splice acceptor variant.
Genome position (GRCh38, 1-based): chr15:90,749,366, G>T. VCF-style: chr15-90749366-G-T. GRCh37 (hg19) VCF-style: chr15-91292596-G-T.
Other names: c.99-1G>T (NM_000057.3, NM_001287246.2, NM_001287247.2); c.-1193-1G>T (NM_001287248.2).
Identifiers: ClinVar variation 2046631 (VCV002046631.5), dbSNP rs897262346, ClinGen allele CA393839278.
Genomic context (GRCh38, chr15:90,749,366, plus strand): 5'-GTAGAGTTGGGGGGTTTCTTAAAATGGATCCATCTAATCTAGTTTTTCCATTATTTTTCA[G>T]AGGTTTCACTTTTAAAAAGAAAACATCTTCAGATAACAATGTATCTGTAACTAATGTGTC-3'

ClinVar aggregate classification (germline): Pathogenic/Likely pathogenic. Review status: criteria provided, multiple submitters, no conflicts (2 of 4 stars). 2 submissions from 2 submitters: Pathogenic (1); Likely pathogenic (1). Last evaluated 2025-08-28.

Conditions:
Bloom syndrome (BLM). Also called: Bloom-Torre-Machacek syndrome. Identifiers: Orphanet 125, MedGen C0005859, MONDO:0008876, OMIM 210900.

Allele frequency attached by ClinVar (database versions not stated): gnomAD exomes below 0.00001.
gnomAD v4.1: 1 of 1,593,256 alleles (0.000063%); highest among the groups gnomAD compares: African/African-American, 0.0013%; no homozygotes.

Submissions (2):

Natera, Inc.
Classification: Likely pathogenic for Bloom syndrome. Last evaluated: 2025-08-28. Review status: criteria provided, single submitter. Criteria: Natera Variant Classification Schema (03/2026). Collection method: clinical testing. Allele origin: germline.
Comment: The c.99-1G>T variant in BLM is a canonical splice acceptor site variant predicted to affect pre-mRNA splicing, which may result in an abnormal transcript and altered protein product. This variant is expected to result in nonsense mediated decay, truncation, or a dysfunctional protein product. This variant is rare in the general population with a frequency below the threshold expected for the associated phenotype(s). Given the available evidence, this variant is classified as Likely Pathogenic.

Labcorp Genetics (formerly Invitae), Labcorp
Classification: Pathogenic for Bloom syndrome. Last evaluated: 2024-08-05. Review status: criteria provided, single submitter. Criteria: Invitae Variant Classification Sherloc (09022015). Collection method: clinical testing. Allele origin: germline.
Comment: This sequence change affects an acceptor splice site in intron 2 of the BLM gene. RNA analysis indicates that disruption of this splice site induces altered splicing and may result in an absent or altered protein product. This variant is present in population databases (no rsID available, gnomAD 0.007%). This variant has not been reported in the literature in individuals affected with BLM-related conditions. ClinVar contains an entry for this variant (Variation ID: 2046631). Studies have shown that disruption of this splice site results in activation of a cryptic splice site, and produces a non-functional protein and/or introduces a premature termination codon (Invitae). For these reasons, this variant has been classified as Pathogenic.